The following is an entry in ClinVar:

ClinVar aggregate classification (germline): Uncertain significance. Review status: criteria provided, multiple submitters, no conflicts (2 of 4 stars). 2 submissions from 2 submitters: Uncertain significance (2). Last evaluated 2025-06-04.

Allele frequency attached by ClinVar (database versions not stated): gnomAD 0.00003 and 0.00005; TOPMed 0.00005; gnomAD exomes 0.00007; ExAC 0.00008; 1000 Genomes Project 0.00060; 1000 Genomes Project 30x 0.00062.
gnomAD v4.1: 68 of 1,613,904 alleles (0.0042%); highest among the groups gnomAD compares: South Asian, 0.047%; no homozygotes.

Submissions (2):

Labcorp Genetics (formerly Invitae), Labcorp
Classification: Uncertain significance. Last evaluated: 2025-06-04. Review status: criteria provided, single submitter. Criteria: Invitae Variant Classification Sherloc (09022015). Collection method: clinical testing. Allele origin: germline.
Comment: This sequence change replaces arginine, which is basic and polar, with glutamine, which is neutral and polar, at codon 210 of the ADGRA3 protein (p.Arg210Gln). This variant is present in population databases (rs141210874, gnomAD 0.03%). This variant has not been reported in the literature in individuals affected with ADGRA3-related conditions. ClinVar contains an entry for this variant (Variation ID: 1007780). An algorithm developed to predict the effect of missense changes on protein structure and function (PolyPhen-2) suggests that this variant is likely to be tolerated. Algorithms developed to predict the effect of sequence changes on RNA splicing suggest that this variant may create or strengthen a splice site. In summary, the available evidence is currently insufficient to determine the role of this variant in disease. Therefore, it has been classified as a Variant of Uncertain Significance.

Ambry Genetics
Classification: Uncertain significance. Last evaluated: 2023-12-12. Review status: criteria provided, single submitter. Criteria: Ambry Variant Classification Scheme 2023. Collection method: clinical testing. Allele origin: germline.

NM_145290.4(ADGRA3):c.629G>A (p.Arg210Gln)

Gene: ADGRA3 (adhesion G protein-coupled receptor A3; minus strand). Cytogenetic location: 4p15.2.
Variant type: single nucleotide variant.
Coding change: c.629G>A on transcript NM_145290.4 (MANE Select); coding-DNA position 629, G replaced by A.
Protein change: p.Arg210Gln; replaces arginine 210 with glutamine.
Molecular consequence: missense variant.
Genome position (GRCh38, 1-based): chr4:22,445,050, C>T on the plus strand (G>A on the coding strand, the complement: ADGRA3 is on the minus strand). VCF-style: chr4-22445050-C-T. GRCh37 (hg19) VCF-style: chr4-22446673-C-T.
Other names: c.629G>A (NM_145290.2); short protein forms R210Q.
Identifiers: ClinVar variation 1007780 (VCV001007780.10), dbSNP rs141210874, ClinGen allele CA2874186.
Genomic context (GRCh38, chr4:22,445,050, plus strand): 5'-TGCTTCACGCCTGTGACTGGTTGGGCCTGCAGTGACTTAGGATAAACACACCTGGTATCC[C>T]GTACCGTGATGTTCTTCTCCTTTACCCAGCGATGCATCCACAGTATGTTACAGTCACACA-3'
Protein context (NP_660333.2, residues 200-220): RWVKEKNITV[Arg210Gln]DTRCVYPKSL